The following is an entry in ClinVar:

ClinVar aggregate classification (germline): Uncertain significance. Review status: criteria provided, multiple submitters, no conflicts (2 of 4 stars). 2 submissions from 2 submitters: Uncertain significance (2). Last evaluated 2025-08-05.

Conditions:
Costello syndrome (CSTLO). Also called: FCS SYNDROME; HRAS-Related Costello Syndrome; FACIOCUTANEOSKELETAL SYNDROME. Identifiers: Orphanet 3071, MedGen C0587248, MONDO:0009026, OMIM 218040.

Allele frequency attached by ClinVar (database versions not stated): gnomAD exomes below 0.00001; TOPMed 0.00001.
gnomAD v4.1: 1 of 1,613,366 alleles (0.000062%); highest among the groups gnomAD compares: African/African-American, 0.0013%; no homozygotes.

Submissions (2):

Labcorp Genetics (formerly Invitae), Labcorp
Classification: Uncertain significance for Costello syndrome. Last evaluated: 2025-08-05. Review status: criteria provided, single submitter. Criteria: Invitae Variant Classification Sherloc (09022015). Collection method: clinical testing. Allele origin: germline.
Comment: This sequence change replaces cysteine, which is neutral and slightly polar, with serine, which is neutral and polar, at codon 80 of the HRAS protein (p.Cys80Ser). This variant is not present in population databases (gnomAD no frequency). This variant has not been reported in the literature in individuals affected with HRAS-related conditions. ClinVar contains an entry for this variant (Variation ID: 580944). Invitae Evidence Modeling incorporating data from in vitro experimental studies (internal data) indicates that this missense variant is not expected to disrupt HRAS function with a negative predictive value of 95%. In summary, the available evidence is currently insufficient to determine the role of this variant in disease. Therefore, it has been classified as a Variant of Uncertain Significance.

Revvity Omics, Revvity
Classification: Uncertain significance for Costello syndrome. Last evaluated: 2021-04-21. Review status: criteria provided, single submitter. Criteria: ACMG Guidelines, 2015. Collection method: clinical testing. Allele origin: germline.

NM_005343.4(HRAS):c.238T>A (p.Cys80Ser)

Genes: HRAS (HRas proto-oncogene, GTPase; minus strand), LRRC56 (leucine rich repeat containing 56; plus strand). Cytogenetic location: 11p15.5.
Variant type: single nucleotide variant.
Coding change: c.238T>A on transcript NM_005343.4 (MANE Select); coding-DNA position 238, T replaced by A.
Protein change: p.Cys80Ser; replaces cysteine 80 with serine.
Molecular consequence: missense variant. On other transcripts: 5 prime UTR variant (1).
Genome position (GRCh38, 1-based): chr11:533,818, A>T on the plus strand (T>A on the coding strand, the complement: HRAS is on the minus strand). VCF-style: chr11-533818-A-T. GRCh37 (hg19) VCF-style: chr11-533818-A-T.
Other names: c.238T>A, p.Cys80Ser (NM_001130442.3, NM_176795.5); c.-82T>A (NM_001318054.2); short protein forms C80S.
Identifiers: ClinVar variation 580944 (VCV000580944.11), dbSNP rs1370566417, ClinGen allele CA378924550.